The following is an entry in ClinVar:

NM_004991.4(MECOM):c.375+7162G>T

Gene: MECOM (MDS1 and EVI1 complex locus; minus strand). Cytogenetic location: 3q26.2.
Variant type: single nucleotide variant.
Coding change: c.375+7162G>T on transcript NM_004991.4 (MANE Select); 7162 bases into the intron after coding-DNA position 375, G replaced by T.
Molecular consequence: intron variant.
Genome position (GRCh38, 1-based): chr3:169,374,025, C>A on the plus strand (G>T on the coding strand, the complement: MECOM is on the minus strand). VCF-style: chr3-169374025-C-A. GRCh37 (hg19) VCF-style: chr3-169091813-C-A.
Other names: c.-189-230193G>T (NM_001205194.2); c.375+7162G>T (NM_001366473.2, NM_001366466.2).
Identifiers: ClinVar variation 3235918 (VCV003235918.1), dbSNP rs1015020275, ClinGen allele CA2825001250.

ClinVar aggregate classification (germline): Uncertain significance (1 of 4 stars; one submission).

Conditions:
Radioulnar synostosis with amegakaryocytic thrombocytopenia 2 (RUSAT2). Also called: RADIOULNAR SYNOSTOSIS AND AMEGAKARYOCYTIC THROMBOCYTOPENIA 2. Identifiers: Orphanet 71289, MedGen C4225221, MONDO:0014758, OMIM 616738.

Submission:

New York Genome Center
Classification: Uncertain significance for Radioulnar synostosis with amegakaryocytic thrombocytopenia 2. Last evaluated: 2022-01-28. Review status: criteria provided, single submitter. Criteria: NYGC Assertion Criteria 2020. Collection method: clinical testing. Allele origin: de novo. Observed: 1 heterozygote. Study: PrenatalSEQ.
Comment: The de novo c.375+7162G>T variant is a single nucleotide variant within intron 2/16 of the long isoform (isoform 4; transcript NM_004991) of the MECOM gene. This variant is absent from gnomAD(v3.1.2), however a different nucleotide variant at the same position is present at low allele frequency (c.375+7162G>A; allele frequency: 9.89e-5). In silico splicing algorithms do not predict this variant to alter splicing (SpliceAI delta=0.00, TraP score 0.105 (75-90% score-percentile)). The MECOM transcript is alternatively spliced and has multiple short and long isoforms. The variant identified here is specific to the longer MECOM isoforms, and a mouse knockout model specifically targeting the long isoform of MECOM suggests a role for this transcript in hematopoiesis and generation of hematopoietic lineage derivatives [PMID:21666053]. This variant is absent from ClinVar, however other variants specific to the long isoform of MECOM have been reported in individuals with hematological phenotypes (VarID:916672, 916673, 972906). While this specific variant has not been reported in affected individuals in the literature, a deletion of this region involving exon 2 and adjacent intronic regions of the long MECOM isoform was reported in an individual with severe congenital thrombocytopenia, anemia, and cardiac anomalies [PMID:29496554]. Expression studies using qPCR in that individual demonstrated reduced expression of both long and short isoforms of MECOM, suggesting that sequences within the long isoform of MECOM may also be necessary for regulating expression of the short isoforms [PMID:29496554]. While this variant is identified de novo and is absent in population databases, lack of functional evidence for the role of the intronic MECOM variant identified here results in its classification as a Variant of Uncertain Significance.